The following is an entry in ClinVar:

ClinVar aggregate classification (germline): Uncertain significance. Review status: criteria provided, multiple submitters, no conflicts (2 of 4 stars). 3 submissions from 3 submitters: Uncertain significance (3). Last evaluated 2025-06-03.

Conditions:
Thyroid dyshormonogenesis 6 (TDH6). Also called: THYROID HORMONOGENESIS, GENETIC DEFECT IN, 6; Genetic transient congenital hypothyroidism; HYPOTHYROIDISM, CONGENITAL, DUE TO DYSHORMONOGENESIS, 6. Identifiers: Orphanet 226316, Orphanet 95716, MedGen C1846632, MONDO:0011792, OMIM 607200.

Allele frequency attached by ClinVar (database versions not stated): ExAC 0.00001; gnomAD 0.00001; gnomAD exomes 0.00001 and 0.00002; TOPMed 0.00002.
gnomAD v4.1: 27 of 1,613,962 alleles (0.0017%); highest among the groups gnomAD compares: Middle Eastern, 0.016%; no homozygotes.

Submissions (3):

Labcorp Genetics (formerly Invitae), Labcorp
Classification: Uncertain significance. Last evaluated: 2025-06-03. Review status: criteria provided, single submitter. Criteria: Invitae Variant Classification Sherloc (09022015). Collection method: clinical testing. Allele origin: germline.
Comment: This sequence change replaces arginine, which is basic and polar, with tryptophan, which is neutral and slightly polar, at codon 510 of the DUOX2 protein (p.Arg510Trp). This variant is present in population databases (rs776321578, gnomAD 0.007%). This variant has not been reported in the literature in individuals affected with DUOX2-related conditions. ClinVar contains an entry for this variant (Variation ID: 316176). Invitae Evidence Modeling of protein sequence and biophysical properties (such as structural, functional, and spatial information, amino acid conservation, physicochemical variation, residue mobility, and thermodynamic stability) indicates that this missense variant is expected to disrupt DUOX2 protein function with a positive predictive value of 80%. In summary, the available evidence is currently insufficient to determine the role of this variant in disease. Therefore, it has been classified as a Variant of Uncertain Significance.

Illumina Laboratory Services, Illumina
Classification: Uncertain significance for Thyroid dyshormonogenesis 6. Last evaluated: 2018-01-12. Review status: criteria provided, single submitter. Criteria: ICSL Variant Classification Criteria 13 December 2019. Collection method: clinical testing. Allele origin: germline.

Breakthrough Genomics
Classification: Uncertain significance. Review status: criteria provided, single submitter. Criteria: ACMG Guidelines, 2015. Collection method: not provided. Allele origin: germline. Inheritance: Autosomal recessive inheritance. Affected: yes.

NM_001363711.2(DUOX2):c.1528C>T (p.Arg510Trp)

Gene: DUOX2 (dual oxidase 2; minus strand). Cytogenetic location: 15q21.1.
Variant type: single nucleotide variant.
Coding change: c.1528C>T on transcript NM_001363711.2 (MANE Select); coding-DNA position 1528, C replaced by T.
Protein change: p.Arg510Trp; replaces arginine 510 with tryptophan.
Molecular consequence: missense variant.
Genome position (GRCh38, 1-based): chr15:45,108,093, G>A on the plus strand (C>T on the coding strand, the complement: DUOX2 is on the minus strand). VCF-style: chr15-45108093-G-A. GRCh37 (hg19) VCF-style: chr15-45400291-G-A.
Other names: c.1528C>T, p.Arg510Trp (NM_014080.5); short protein forms R510W.
Identifiers: ClinVar variation 316176 (VCV000316176.9), dbSNP rs776321578, ClinGen allele CA7538590.